The following is an entry in ClinVar:

ClinVar aggregate classification (germline): Likely pathogenic (1 of 4 stars; one submission).

Submission:

Labcorp Genetics (formerly Invitae), Labcorp
Classification: Likely pathogenic. Last evaluated: 2022-06-28. Review status: criteria provided, single submitter. Criteria: Invitae Variant Classification Sherloc (09022015). Collection method: clinical testing. Allele origin: germline.
Comment: In summary, the currently available evidence indicates that the variant is pathogenic, but additional data are needed to prove that conclusively. Therefore, this variant has been classified as Likely Pathogenic. Algorithms developed to predict the effect of sequence changes on RNA splicing suggest that this variant may disrupt the consensus splice site. This variant has not been reported in the literature in individuals affected with CACNA1B-related conditions. This variant is not present in population databases (gnomAD no frequency). This sequence change affects a donor splice site in intron 4 of the CACNA1B gene. It is expected to disrupt RNA splicing. Variants that disrupt the donor or acceptor splice site typically lead to a loss of protein function (PMID: 16199547), and loss-of-function variants in CACNA1B are known to be pathogenic (PMID: 30982612).

Literature cited by the submitters: PubMed 16199547; PubMed 30982612.

NM_000718.4(CACNA1B):c.622+2T>G

Gene: CACNA1B (calcium voltage-gated channel subunit alpha1 B; plus strand). Cytogenetic location: 9q34.3.
Variant type: single nucleotide variant.
Coding change: c.622+2T>G on transcript NM_000718.4 (MANE Select); the canonical splice donor site of the intron after coding-DNA position 622, T replaced by G.
Molecular consequence: splice donor variant.
Genome position (GRCh38, 1-based): chr9:137,913,273, T>G. VCF-style: chr9-137913273-T-G. GRCh37 (hg19) VCF-style: chr9-140807725-T-G.
Other names: c.622+2T>G (NM_001243812.2).
Identifiers: ClinVar variation 2012015 (VCV002012015.4), dbSNP rs2539140890, ClinGen allele CA375803428.